The following is an entry in ClinVar:

NM_001983.4(ERCC1):c.346G>A (p.Val116Met)

Gene: ERCC1 (ERCC excision repair 1, endonuclease non-catalytic subunit; minus strand). Cytogenetic location: 19q13.32.
Variant type: single nucleotide variant.
Coding change: c.346G>A on transcript NM_001983.4 (MANE Select); coding-DNA position 346, G replaced by A.
Protein change: p.Val116Met; replaces valine 116 with methionine.
Molecular consequence: missense variant.
Genome position (GRCh38, 1-based): chr19:45,420,403, C>T on the plus strand (G>A on the coding strand, the complement: ERCC1 is on the minus strand). VCF-style: chr19-45420403-C-T. GRCh37 (hg19) VCF-style: chr19-45923661-C-T.
Other names: c.346G>A, p.Val116Met (NM_001166049.2, NM_001369408.1, NM_001369409.1 and 11 more transcripts); short protein forms V116M.
Identifiers: ClinVar variation 1254715 (VCV001254715.25), dbSNP rs200459924, ClinGen allele CA9515475.

ClinVar aggregate classification (germline): Uncertain significance. Review status: criteria provided, multiple submitters, no conflicts (2 of 4 stars). 3 submissions from 3 submitters: Uncertain significance (3). Last evaluated 2025-03-02.

Allele frequency attached by ClinVar (database versions not stated): gnomAD exomes 0.00005; ESP Exome Variant Server 0.00008; TOPMed 0.00005; gnomAD 0.00005; ExAC 0.00006.
gnomAD v4.1: 83 of 1,613,356 alleles (0.0051%); highest among the groups gnomAD compares: Middle Eastern, 0.033%; no homozygotes.

Submissions (3):

GeneDx
Classification: Uncertain significance. Last evaluated: 2025-03-02. Review status: criteria provided, single submitter. Criteria: GeneDx Variant Classification Process June 2021. Collection method: clinical testing. Allele origin: germline. Affected: yes.
Comment: Not observed at significant frequency in large population cohorts (gnomAD); In silico analysis indicates that this missense variant does not alter protein structure/function; Has not been previously published as pathogenic or benign to our knowledge; This variant is associated with the following publications: (PMID: 24158589, 37148846)

Labcorp Genetics (formerly Invitae), Labcorp
Classification: Uncertain significance. Last evaluated: 2022-06-03. Review status: criteria provided, single submitter. Criteria: Invitae Variant Classification Sherloc (09022015). Collection method: clinical testing. Allele origin: germline.
Comment: This sequence change replaces valine, which is neutral and non-polar, with methionine, which is neutral and non-polar, at codon 116 of the ERCC1 protein (p.Val116Met). This variant is present in population databases (rs200459924, gnomAD 0.008%). This variant has not been reported in the literature in individuals affected with ERCC1-related conditions. ClinVar contains an entry for this variant (Variation ID: 1254715). Algorithms developed to predict the effect of missense changes on protein structure and function are either unavailable or do not agree on the potential impact of this missense change (SIFT: "Deleterious"; PolyPhen-2: "Probably Damaging"; Align-GVGD: "Class C0"). In summary, the available evidence is currently insufficient to determine the role of this variant in disease. Therefore, it has been classified as a Variant of Uncertain Significance.

Institute for Clinical Genetics, University Hospital TU Dresden, University Hospital TU Dresden
Classification: Uncertain significance. Last evaluated: 2021-11-03. Review status: criteria provided, single submitter. Criteria: ACMG Guidelines, 2015. Collection method: clinical testing. Allele origin: germline.